The following is an entry in ClinVar:

NM_005762.3(TRIM28):c.1299C>A (p.Ser433Arg)

Gene: TRIM28 (tripartite motif containing 28; plus strand). Cytogenetic location: 19q13.43.
Variant type: single nucleotide variant.
Coding change: c.1299C>A on transcript NM_005762.3 (MANE Select); coding-DNA position 1299, C replaced by A.
Protein change: p.Ser433Arg; replaces serine 433 with arginine.
Molecular consequence: missense variant.
Genome position (GRCh38, 1-based): chr19:58,548,568, C>A. VCF-style: chr19-58548568-C-A. GRCh37 (hg19) VCF-style: chr19-59059935-C-A.
Other names: short protein forms S433R.
Identifiers: ClinVar variation 1691530 (VCV001691530.6), dbSNP rs960873556, ClinGen allele CA310611050.

ClinVar aggregate classification (germline): Uncertain significance. Review status: criteria provided, multiple submitters, no conflicts (2 of 4 stars). 2 submissions from 2 submitters: Uncertain significance (2). Last evaluated 2025-04-02.

Conditions:
Predisposition to Wilms tumor.

gnomAD v4.1: 11 of 1,612,912 alleles (0.00068%); highest among the groups gnomAD compares: Non-Finnish European, 0.00085%; no homozygotes.

Submissions (2):

Labcorp Genetics (formerly Invitae), Labcorp
Classification: Uncertain significance. Last evaluated: 2025-04-02. Review status: criteria provided, single submitter. Criteria: Invitae Variant Classification Sherloc (09022015). Collection method: clinical testing. Allele origin: germline.
Comment: This sequence change replaces serine, which is neutral and polar, with arginine, which is basic and polar, at codon 433 of the TRIM28 protein (p.Ser433Arg). This variant is present in population databases (no rsID available, gnomAD 0.0009%). This variant has not been reported in the literature in individuals affected with TRIM28-related conditions. ClinVar contains an entry for this variant (Variation ID: 1691530). Experimental studies and prediction algorithms are not available or were not evaluated, and the functional significance of this variant is currently unknown. In summary, the available evidence is currently insufficient to determine the role of this variant in disease. Therefore, it has been classified as a Variant of Uncertain Significance.

St. Jude Molecular Pathology, St. Jude Children's Research Hospital
Classification: Uncertain significance for Predisposition to Wilms tumor. Last evaluated: 2024-06-18. Review status: criteria provided, single submitter. Criteria: St. Jude Assertion Criteria 2020. Collection method: clinical testing. Allele origin: germline.